The following is an entry in ClinVar:

NM_001330078.2(NRXN1):c.2331A>T (p.Lys777Asn)

Gene: NRXN1 (neurexin 1; minus strand). Cytogenetic location: 2p16.3.
Variant type: single nucleotide variant.
Coding change: c.2331A>T on transcript NM_001330078.2 (MANE Select); coding-DNA position 2331, A replaced by T.
Protein change: p.Lys777Asn; replaces lysine 777 with asparagine.
Molecular consequence: missense variant.
Genome position (GRCh38, 1-based): chr2:50,531,243, T>A on the plus strand (A>T on the coding strand, the complement: NRXN1 is on the minus strand). VCF-style: chr2-50531243-T-A. GRCh37 (hg19) VCF-style: chr2-50758381-T-A.
Other names: c.2451A>T, p.Lys817Asn (NM_001135659.3); c.2307A>T, p.Lys769Asn (NM_001330077.2, NM_001330082.2, NM_001330095.2); c.2292A>T, p.Lys764Asn (NM_001330083.2, NM_001330084.2); c.2331A>T, p.Lys777Asn (NM_001330085.2, NM_001330086.2, NM_004801.6); c.2247A>T, p.Lys749Asn (NM_001330087.2, NM_001330096.2); c.2277A>T, p.Lys759Asn (NM_001330088.2); c.2328A>T, p.Lys776Asn (NM_001330093.2); c.2319A>T, p.Lys773Asn (NM_001330094.2); short protein forms K773N, K817N, K764N, K776N, K777N, K769N, K749N, K759N.
Identifiers: ClinVar variation 2001456 (VCV002001456.4), dbSNP rs1468360830, ClinGen allele CA346769430.

ClinVar aggregate classification (germline): Uncertain significance (1 of 4 stars; one submission).

Conditions:
Pitt-Hopkins-like syndrome 2 (PTHSL2). Identifiers: Orphanet 221150, Orphanet 600663, MedGen C3280479, MONDO:0013690, OMIM 614325.

Submission:

Labcorp Genetics (formerly Invitae), Labcorp
Classification: Uncertain significance for Pitt-Hopkins-like syndrome 2. Last evaluated: 2022-05-31. Review status: criteria provided, single submitter. Criteria: Invitae Variant Classification Sherloc (09022015). Collection method: clinical testing. Allele origin: germline.
Comment: Algorithms developed to predict the effect of missense changes on protein structure and function are either unavailable or do not agree on the potential impact of this missense change (SIFT: "Tolerated"; PolyPhen-2: "Probably Damaging"; Align-GVGD: "Class C0"). This sequence change replaces lysine, which is basic and polar, with asparagine, which is neutral and polar, at codon 817 of the NRXN1 protein (p.Lys817Asn). This variant is not present in population databases (gnomAD no frequency). This variant has not been reported in the literature in individuals affected with NRXN1-related conditions. In summary, the available evidence is currently insufficient to determine the role of this variant in disease. Therefore, it has been classified as a Variant of Uncertain Significance.